The following is an entry in ClinVar:

ClinVar aggregate classification (germline): Uncertain significance (1 of 4 stars; one submission).

Conditions:
Intellectual disability-hypotonic facies syndrome, X-linked, 1 (MRXHF1). Also called: Smith Fineman Myers syndrome 1; HOLMES-GANG SYNDROME; XLMR-HYPOTONIC FACIES SYNDROME; X-linked intellectual disability-hypotonic face syndrome; CHUDLEY-LOWRY SYNDROME; Chudley syndrome 1. Identifiers: Orphanet 73220, Orphanet 93970, Orphanet 93971, Orphanet 93972, Orphanet 93973, Orphanet 93974, Orphanet 93975, MedGen C4759781, MONDO:0010663, OMIM 309580.

Submission:

Institute of Human Genetics, University of Leipzig Medical Center
Classification: Uncertain significance for Intellectual disability-hypotonic facies syndrome, X-linked, 1. Last evaluated: 2026-03-27. Review status: criteria provided, single submitter. Criteria: ACMG Guidelines, 2015. Collection method: clinical testing. Allele origin: maternal. Inheritance: X-linked recessive inheritance. Affected: yes.
Comment: Criteria applied: PM2,PP2,PP3

NM_000489.6(ATRX):c.5506G>C (p.Ala1836Pro)

Gene: ATRX (ATRX chromatin remodeler; minus strand). Cytogenetic location: Xq21.1.
Variant type: single nucleotide variant.
Coding change: c.5506G>C on transcript NM_000489.6 (MANE Select); coding-DNA position 5506, G replaced by C.
Protein change: p.Ala1836Pro; replaces alanine 1836 with proline.
Molecular consequence: missense variant.
Genome position (GRCh38, 1-based): chrX:77,616,673, C>G on the plus strand (G>C on the coding strand, the complement: ATRX is on the minus strand). VCF-style: chrX-77616673-C-G. GRCh37 (hg19) VCF-style: chrX-76872141-C-G.
Other names: c.5392G>C, p.Ala1798Pro (NM_138270.5); short protein forms A1798P, A1836P.
Identifiers: ClinVar variation 4845393 (VCV004845393.2).